The following is an entry in ClinVar:

ClinVar aggregate classification (germline): Pathogenic (1 of 4 stars; one submission).

Conditions:
Fabry disease. Also called: ALPHA-GALACTOSIDASE A DEFICIENCY; ANDERSON-FABRY DISEASE; CERAMIDE TRIHEXOSIDASE DEFICIENCY; GLA DEFICIENCY; HEREDITARY DYSTOPIC LIPIDOSIS; Angiokeratoma corporis diffusum. Identifiers: Orphanet 324, MedGen C0002986, MONDO:0010526, OMIM 301500, HP:0001071. Disease mechanism: Fabry disease is due to inactivating mutations in the X-linked GLA gene resulting in deficiency of the enzyme Alpha Galactosidase-A., loss of function.

Submission:

Genomenon, Inc
Classification: Pathogenic for Fabry disease. Last evaluated: 2026-09-08. Review status: criteria provided, single submitter. Criteria: Genomenon Sequence Variant Interpretation Standards - Updated. Collection method: curation. Allele origin: germline. Affected: yes.
Comment: GLA p.Leu177Ter (c.530T>A) is a nonsense variant that introduces a premature stop codon at amino acid position 177 and is predicted to result in a truncated or absent protein product. This variant has been observed in at least one proband with clinical features consistent with Fabry disease (PMID:17224688;16595074). Functional or patient cell studies have been reported (PMID:16595074). It is absent or not present at a significant frequency in gnomAD. In conclusion, we classify GLA p.Leu177Ter (c.530T>A) as a pathogenic variant.

Literature cited by the submitters: PubMed 17224688; PubMed 16595074.

NM_000169.3(GLA):c.530T>A (p.Leu177Ter)

Genes: GLA (galactosidase alpha; minus strand), RPL36A-HNRNPH2 (RPL36A-HNRNPH2 readthrough; plus strand). Cytogenetic location: Xq22.1.
Variant type: single nucleotide variant.
Coding change: c.530T>A on transcript NM_000169.3 (MANE Select); coding-DNA position 530, T replaced by A.
Protein change: p.Leu177Ter; replaces leucine 177 with a stop codon.
Molecular consequence: nonsense. On other transcripts: non-coding transcript variant (3), intron variant (2).
Genome position (GRCh38, 1-based): chrX:101,401,649, A>T on the plus strand (T>A on the coding strand, the complement: GLA is on the minus strand). VCF-style: chrX-101401649-A-T. GRCh37 (hg19) VCF-style: chrX-100656637-A-T.
Other names: c.653T>A, p.Leu218Ter (NM_001406747.1, NM_001406749.1); c.530T>A, p.Leu177Ter (NM_001406748.1); c.300+6192A>T (NM_001199973.2); c.177+9827A>T (NM_001199974.2); short protein forms L177*, L218*.
Identifiers: ClinVar variation 4087164 (VCV004087164.2).